The following is an entry in ClinVar:

ClinVar aggregate classification (germline): Conflicting classifications of pathogenicity. Review status: criteria provided, conflicting classifications (1 of 4 stars). 2 submissions from 2 submitters: Uncertain significance (1); Likely benign (1). Last evaluated 2025-08-24.

Conditions:
EP300-related disorder. Also called: EP300-related disorders; EP300-related condition.
Inborn genetic diseases. Identifiers: MedGen C0950123, MeSH D030342.

gnomAD v4.1: 20 of 1,614,016 alleles (0.0012%); highest among the groups gnomAD compares: African/African-American, 0.0067%; no homozygotes.

Submissions (2):

PreventionGenetics, part of Exact Sciences
Classification: Uncertain significance for EP300-related condition. Last evaluated: 2025-08-24. Review status: criteria provided, single submitter. Criteria: ACMG Guidelines, 2015. Collection method: clinical testing. Allele origin: germline.
Comment: The EP300 c.797G>T variant is predicted to result in the amino acid substitution p.Gly266Val. To our knowledge, this variant has not been reported in the literature. This variant is reported in 0.0062% of alleles in individuals of African descent in gnomAD. At this time, the clinical significance of this variant is uncertain due to the absence of conclusive functional and genetic evidence.

Ambry Genetics
Classification: Likely benign for Inborn genetic diseases. Last evaluated: 2025-07-31. Review status: criteria provided, single submitter. Criteria: Ambry Variant Classification Scheme 2023. Collection method: clinical testing. Allele origin: germline.

NM_001429.4(EP300):c.797G>T (p.Gly266Val)

Gene: EP300 (EP300 lysine acetyltransferase; plus strand). Cytogenetic location: 22q13.2.
Variant type: single nucleotide variant.
Coding change: c.797G>T on transcript NM_001429.4 (MANE Select); coding-DNA position 797, G replaced by T.
Protein change: p.Gly266Val; replaces glycine 266 with valine.
Molecular consequence: missense variant.
Genome position (GRCh38, 1-based): chr22:41,125,931, G>T. VCF-style: chr22-41125931-G-T. GRCh37 (hg19) VCF-style: chr22-41521935-G-T.
Other names: c.797G>T, p.Gly266Val (NM_001362843.2); short protein forms G266V.
Identifiers: ClinVar variation 4249461 (VCV004249461.2).
Genomic context (GRCh38, chr22:41,125,931, plus strand): 5'-TGATGAACAACCCCAATCCTTATGGTTCACCATATACTCAGAATCCTGGACAGCAGATTG[G>T]AGCCAGTGGCCTTGGTCTCCAGATTCAGACAAAAACTGTACTATCAAATAACTTATCTCC-3'
Protein context (NP_001420.2, residues 256-276): PYTQNPGQQI[Gly266Val]ASGLGLQIQT